The following is an entry in ClinVar:

ClinVar aggregate classification (germline): Uncertain significance. Review status: criteria provided, multiple submitters, no conflicts (2 of 4 stars). 2 submissions from 2 submitters: Uncertain significance (2). Last evaluated 2023-09-05.

Conditions:
Hypertrophic cardiomyopathy 14. Identifiers: MedGen C2750467, MONDO:0013197, OMIM 613251.
Cardiovascular phenotype. Identifiers: MedGen CN230736.

Allele frequency attached by ClinVar (database versions not stated): TOPMed below 0.00001.
gnomAD v4.1: 8 of 1,614,018 alleles (0.0005%); highest among the groups gnomAD compares: South Asian, 0.0088%; no homozygotes.

Submissions (2):

Labcorp Genetics (formerly Invitae), Labcorp
Classification: Uncertain significance for Hypertrophic cardiomyopathy 14. Last evaluated: 2023-09-05. Review status: criteria provided, single submitter. Criteria: Invitae Variant Classification Sherloc (09022015). Collection method: clinical testing. Allele origin: germline.
Comment: This sequence change replaces alanine, which is neutral and non-polar, with threonine, which is neutral and polar, at codon 1268 of the MYH6 protein (p.Ala1268Thr). This variant is present in population databases (rs777331087, gnomAD 0.006%). In summary, the available evidence is currently insufficient to determine the role of this variant in disease. Therefore, it has been classified as a Variant of Uncertain Significance. Advanced modeling of protein sequence and biophysical properties (such as structural, functional, and spatial information, amino acid conservation, physicochemical variation, residue mobility, and thermodynamic stability) performed at Invitae indicates that this missense variant is not expected to disrupt MYH6 protein function. ClinVar contains an entry for this variant (Variation ID: 520287). This variant has not been reported in the literature in individuals affected with MYH6-related conditions.

Ambry Genetics
Classification: Uncertain significance for Cardiovascular phenotype. Last evaluated: 2016-07-19. Review status: criteria provided, single submitter. Criteria: Ambry Variant Classification Scheme 2023. Collection method: clinical testing. Allele origin: germline.
Comment: The p.A1268T variant (also known as c.3802G>A), located in coding exon 25 of the MYH6 gene, results from a G to A substitution at nucleotide position 3802. The alanine at codon 1268 is replaced by threonine, an amino acid with similar properties. This variant was not reported in population-based cohorts in the following databases: Database of Single Nucleotide Polymorphisms (dbSNP), NHLBI Exome Sequencing Project (ESP), and 1000 Genomes Project. In the ESP, this variant was not observed in 6503 samples (13006 alleles) with coverage at this position. Based on data from ExAC, the A allele has an overall frequency of <0.01% (1/106197). This amino acid position is not well conserved in available vertebrate species, and threonine is the reference amino acid in other vertebrate species. In addition, this alteration is predicted to be tolerated by in silico analysis. Since supporting evidence is limited at this time, the clinical significance of this variant remains unclear.

NM_002471.4(MYH6):c.3802G>A (p.Ala1268Thr)

Gene: MYH6 (myosin heavy chain 6; minus strand). Cytogenetic location: 14q11.2.
Variant type: single nucleotide variant.
Coding change: c.3802G>A on transcript NM_002471.4 (MANE Select); coding-DNA position 3802, G replaced by A.
Protein change: p.Ala1268Thr; replaces alanine 1268 with threonine.
Molecular consequence: missense variant.
Genome position (GRCh38, 1-based): chr14:23,389,650, C>T on the plus strand (G>A on the coding strand, the complement: MYH6 is on the minus strand). VCF-style: chr14-23389650-C-T. GRCh37 (hg19) VCF-style: chr14-23858859-C-T.
Other names: short protein forms A1268T.
Identifiers: ClinVar variation 520287 (VCV000520287.9), dbSNP rs777331087, ClinGen allele CA7115069.